The following is an entry in ClinVar:

NM_021224.6(ZNF462):c.6263_6268dup (p.Ser2089_Phe2090insCysSer)

Gene: ZNF462 (zinc finger protein 462; plus strand). Cytogenetic location: 9q31.2.
Variant type: Duplication.
Coding change: c.6263_6268dup on transcript NM_021224.6 (MANE Select); coding-DNA positions 6263 to 6268, 6 bases duplicated (GCTCAT; older notation c.6263_6268dupGCTCAT).
Protein change: p.Ser2089_Phe2090insCysSer.
Molecular consequence: inframe insertion.
Genome position (GRCh38, 1-based): chr9:106,938,943-106,938,948, GCTCAT duplicated; duplicating any 6 consecutive bases within chr9:106,938,942-106,938,948 gives the same sequence; the c. name uses the placement nearest the transcript's 3' end. VCF-style (leftmost placement, unchanged base first): chr9-106938941-G-GTGCTCA. GRCh37 (hg19) VCF-style: chr9-109701222-G-GTGCTCA.
Other names: c.3668_3673dup, p.Ser1224_Phe1225insCysSer (NM_001347997.2).
Identifiers: ClinVar variation 3025562 (VCV003025562.22), dbSNP rs774978912, ClinGen allele CA5172209.
Genomic context (GRCh38, chr9:106,938,941, plus strand): 5'-TTCCTGTTCTATTTCTTGTCACCATCCTCTTCCAGGTGAGCATGCCTACAAGTGTTCTTG[G>GTGCTCA]TGCTCATTCTCCACCATGACAATCAGCCAGCTGAAGGAACACTCCCTCAAGGTCCACGGA-3'

ClinVar aggregate classification (germline): Uncertain significance (1 of 4 stars; one submission).

Submission:

CeGaT Center for Human Genetics Tuebingen
Classification: Uncertain significance. Last evaluated: 2024-02-01. Review status: criteria provided, single submitter. Criteria: CeGaT Center For Human Genetics Tuebingen Variant Classification Criteria Version 2. Collection method: clinical testing. Allele origin: germline. Affected: yes. Observed: 1 variant allele.
Comment: ZNF462: PM4